The following is an entry in ClinVar:

NM_004990.4(MARS1):c.1842T>G (p.Ala614=)

Gene: MARS1 (methionyl-tRNA synthetase 1; plus strand). Cytogenetic location: 12q13.3.
Variant type: single nucleotide variant.
Coding change: c.1842T>G on transcript NM_004990.4 (MANE Select); coding-DNA position 1842, T replaced by G.
Protein change: p.Ala614=; no amino-acid change (alanine 614 retained).
Molecular consequence: synonymous variant.
Genome position (GRCh38, 1-based): chr12:57,512,839, T>G. VCF-style: chr12-57512839-T-G. GRCh37 (hg19) VCF-style: chr12-57906622-T-G.
Identifiers: ClinVar variation 2682486 (VCV002682486.1), dbSNP rs553797439, ClinGen allele CA6650637.

ClinVar aggregate classification (germline): Likely benign (1 of 4 stars; one submission).

Allele frequency attached by ClinVar (database versions not stated): gnomAD 0.00001; 1000 Genomes Project 30x 0.00016; 1000 Genomes Project 0.00020.
gnomAD v4.1: 2 of 1,614,256 alleles (0.00012%); highest among the groups gnomAD compares: African/African-American, 0.0027%; no homozygotes.

Submission:

Women's Health and Genetics/Laboratory Corporation of America, LabCorp
Classification: Likely benign. Last evaluated: 2023-11-13. Review status: criteria provided, single submitter. Criteria: LabCorp Variant Classification Summary - May 2015. Collection method: clinical testing. Allele origin: germline.
Comment: Variant summary: MARS1 c.1842T>G alters a non-conserved nucleotide resulting in a synonymous change. Consensus agreement among computation tools predict no significant impact on normal splicing. However, these predictions have yet to be confirmed by functional studies. The variant allele was found at a frequency of 4e-06 in 251480 control chromosomes (gnomAD). The available data on variant occurrences in the general population are insufficient to allow any conclusion about variant significance. To our knowledge, no occurrence of c.1842T>G in individuals affected with MARS1-Related Disorders and no experimental evidence demonstrating its impact on protein function have been reported. No submitters have cited clinical-significance assessments for this variant to ClinVar after 2014. Based on the evidence outlined above, the variant was classified as likely benign.